The following is an entry in ClinVar:

ClinVar aggregate classification (germline): Likely benign (0 of 4 stars; one submission).

Conditions:
TP53I3-related disorder. Also called: TP53I3-related condition.

Submission:

PreventionGenetics, part of Exact Sciences
Classification: Likely benign for TP53I3-related condition. Last evaluated: 2024-01-22. Review status: no assertion criteria provided. Collection method: clinical testing. Allele origin: germline.
Comment: This variant is classified as likely benign based on ACMG/AMP sequence variant interpretation guidelines (Richards et al. 2015 PMID: 25741868, with internal and published modifications).

NM_004881.5(TP53I3):c.*8T>G

Genes: FAM228B (family with sequence similarity 228 member B; plus strand), TP53I3 (tumor protein p53 inducible protein 3; minus strand). Cytogenetic location: 2p23.3.
Variant type: single nucleotide variant.
Coding change: c.*8T>G on transcript NM_004881.5 (MANE Select); 8 bases downstream of the stop codon, T replaced by G.
Molecular consequence: 3 prime UTR variant. On other transcripts: intron variant (1).
Genome position (GRCh38, 1-based): chr2:24,077,571, A>C on the plus strand (T>G on the coding strand, the complement: TP53I3 is on the minus strand). VCF-style: chr2-24077571-A-C. GRCh37 (hg19) VCF-style: chr2-24300441-A-C.
Other names: c.*63T>G (NM_001206802.2); c.*8T>G (NM_147184.4); c.-290+602A>C (NM_001291328.2).
Identifiers: ClinVar variation 3033021 (VCV003033021.2), dbSNP rs377058047, ClinGen allele CA2658102939.
Genomic context (GRCh38, chr2:24,077,571, plus strand): 5'-GTGAATCTTCTCCAGGTTTGCTCTGGAAAGGCCTGGGGTGGCCGCGTCCTGTCCTGCCCC[A>C]TCCTCCTTCACTGGGGCAGTTCCAGGACGATCTTGCCTATGTTCTTGTTGGCCTCCATGT-3'